The following is an entry in ClinVar:

NM_000059.4(BRCA2):c.9221T>G (p.Leu3074Arg)

Gene: BRCA2 (BRCA2 DNA repair associated; plus strand). Cytogenetic location: 13q13.1.
Variant type: single nucleotide variant.
Coding change: c.9221T>G on transcript NM_000059.4 (MANE Select); coding-DNA position 9221, T replaced by G.
Protein change: p.Leu3074Arg; replaces leucine 3074 with arginine.
Molecular consequence: missense variant.
Genome position (GRCh38, 1-based): chr13:32,380,110, T>G. VCF-style: chr13-32380110-T-G. GRCh37 (hg19) VCF-style: chr13-32954247-T-G.
Other names: short protein forms L3074R.
Identifiers: ClinVar variation 652764 (VCV000652764.9), dbSNP rs1593938174, ClinGen allele CA387758463.

ClinVar aggregate classification (germline): Uncertain significance (1 of 4 stars; one submission).

Conditions:
Hereditary breast ovarian cancer syndrome. Also called: Breast and ovarian cancer; BRCA1- and BRCA2-Associated Hereditary Breast and Ovarian Cancer; Hereditary breast and ovarian cancer; Hereditary breast and/or ovarian cancer syndrome; Hereditary breast and ovarian cancer syndrome; Hereditary breast and ovarian cancer syndrome (HBOC). Identifiers: Orphanet 145, MedGen C0677776, MeSH D061325, MONDO:0003582. Disease mechanism: loss of function.

Submission:

Labcorp Genetics (formerly Invitae), Labcorp
Classification: Uncertain significance for Hereditary breast ovarian cancer syndrome. Last evaluated: 2022-10-17. Review status: criteria provided, single submitter. Criteria: Invitae Variant Classification Sherloc (09022015). Collection method: clinical testing. Allele origin: germline.
Comment: In summary, the available evidence is currently insufficient to determine the role of this variant in disease. Therefore, it has been classified as a Variant of Uncertain Significance. Advanced modeling of protein sequence and biophysical properties (such as structural, functional, and spatial information, amino acid conservation, physicochemical variation, residue mobility, and thermodynamic stability) performed at Invitae indicates that this missense variant is not expected to disrupt BRCA2 protein function. ClinVar contains an entry for this variant (Variation ID: 652764). This variant has not been reported in the literature in individuals affected with BRCA2-related conditions. This variant is not present in population databases (gnomAD no frequency). This sequence change replaces leucine, which is neutral and non-polar, with arginine, which is basic and polar, at codon 3074 of the BRCA2 protein (p.Leu3074Arg).